The following is an entry in ClinVar:

ClinVar aggregate classification (germline): Uncertain significance (1 of 4 stars; one submission).

Submission:

Labcorp Genetics (formerly Invitae), Labcorp
Classification: Uncertain significance. Last evaluated: 2023-06-27. Review status: criteria provided, single submitter. Criteria: Invitae Variant Classification Sherloc (09022015). Collection method: clinical testing. Allele origin: germline.
Comment: In summary, the available evidence is currently insufficient to determine the role of this variant in disease. Therefore, it has been classified as a Variant of Uncertain Significance. Advanced modeling of protein sequence and biophysical properties (such as structural, functional, and spatial information, amino acid conservation, physicochemical variation, residue mobility, and thermodynamic stability) performed at Invitae indicates that this missense variant is not expected to disrupt PHIP protein function. This variant has not been reported in the literature in individuals affected with PHIP-related conditions. This variant is not present in population databases (gnomAD no frequency). This sequence change replaces serine, which is neutral and polar, with alanine, which is neutral and non-polar, at codon 1476 of the PHIP protein (p.Ser1476Ala).

NM_017934.7(PHIP):c.4426T>G (p.Ser1476Ala)

Genes: IRAK1BP1 (interleukin 1 receptor associated kinase 1 binding protein 1; plus strand), PHIP (PHIP subunit of CUL4-Ring ligase complex; minus strand). Cytogenetic location: 6q14.1.
Variant type: single nucleotide variant.
Coding change: c.4426T>G on transcript NM_017934.7 (MANE Select); coding-DNA position 4426, T replaced by G.
Protein change: p.Ser1476Ala; replaces serine 1476 with alanine.
Molecular consequence: missense variant.
Genome position (GRCh38, 1-based): chr6:78,946,205, A>C on the plus strand (T>G on the coding strand, the complement: PHIP is on the minus strand). VCF-style: chr6-78946205-A-C. GRCh37 (hg19) VCF-style: chr6-79655922-A-C.
Other names: short protein forms S1476A.
Identifiers: ClinVar variation 2729830 (VCV002729830.3), dbSNP rs2481794727, ClinGen allele CA364637870.